The following is an entry in ClinVar:

ClinVar aggregate classification (germline): Uncertain significance (1 of 4 stars; one submission).

Conditions:
Rhabdoid tumor predisposition syndrome 2 (RTPS2). Identifiers: Orphanet 231108, Orphanet 69077, MedGen C2750074, MONDO:0013224, OMIM 613325.

Submission:

Labcorp Genetics (formerly Invitae), Labcorp
Classification: Uncertain significance for Rhabdoid tumor predisposition syndrome 2. Last evaluated: 2024-12-17. Review status: criteria provided, single submitter. Criteria: Invitae Variant Classification Sherloc (09022015). Collection method: clinical testing. Allele origin: germline.
Comment: This sequence change replaces alanine, which is neutral and non-polar, with valine, which is neutral and non-polar, at codon 903 of the SMARCA4 protein (p.Ala903Val). This variant is not present in population databases (gnomAD no frequency). This variant has not been reported in the literature in individuals affected with SMARCA4-related conditions. Invitae Evidence Modeling of protein sequence and biophysical properties (such as structural, functional, and spatial information, amino acid conservation, physicochemical variation, residue mobility, and thermodynamic stability) has been performed for this missense variant. However, the output from this modeling did not meet the statistical confidence thresholds required to predict the impact of this variant on SMARCA4 protein function. In summary, the available evidence is currently insufficient to determine the role of this variant in disease. Therefore, it has been classified as a Variant of Uncertain Significance.

NM_003072.5(SMARCA4):c.2708C>T (p.Ala903Val)

Gene: SMARCA4 (SWI/SNF related BAF chromatin remodeling complex subunit ATPase 4; plus strand). Cytogenetic location: 19p13.2.
Variant type: single nucleotide variant.
Coding change: c.2708C>T on transcript NM_003072.5 (MANE Select); coding-DNA position 2708, C replaced by T.
Protein change: p.Ala903Val; replaces alanine 903 with valine.
Molecular consequence: missense variant. On other transcripts: non-coding transcript variant (1).
Genome position (GRCh38, 1-based): chr19:11,021,816, C>T. VCF-style: chr19-11021816-C-T. GRCh37 (hg19) VCF-style: chr19-11132492-C-T.
Other names: c.2708C>T, p.Ala903Val (NM_001128844.3, NM_001128845.2, NM_001128846.2 and 6 more transcripts); short protein forms A903V.
Identifiers: ClinVar variation 3683999 (VCV003683999.2).